The following is an entry in ClinVar:

ClinVar aggregate classification (germline): Uncertain significance. Review status: criteria provided, multiple submitters, no conflicts (2 of 4 stars). 2 submissions from 2 submitters: Uncertain significance (2). Last evaluated 2024-07-29.

Conditions:
Hyperinsulinemic hypoglycemia, familial, 1 (HHF1). Also called: HYPERINSULINISM, FAMILIAL, WITH PANCREATIC NESIDIOBLASTOSIS; HYPOGLYCEMIA, HYPERINSULINEMIC, OF INFANCY; NESIDIOBLASTOSIS OF PANCREAS; Persistent Hyperinsulinemia Hypoglycemia of Infancy; Persistent hyperinsulinemic hypoglycemia of infancy. Identifiers: Orphanet 276575, Orphanet 276598, MedGen C2931832, MONDO:0009734, OMIM 256450.

Submissions (2):

Women's Health and Genetics/Laboratory Corporation of America, LabCorp
Classification: Uncertain significance. Last evaluated: 2024-07-29. Review status: criteria provided, single submitter. Criteria: LabCorp Variant Classification Summary - May 2015. Collection method: clinical testing. Allele origin: germline.
Comment: Variant summary: ABCC8 c.1630+5G>T alters a conserved nucleotide located close to a canonical splice site and therefore could affect mRNA splicing, leading to a significantly altered protein sequence. Several computational tools predict a significant impact on normal splicing: Four predict the variant abolishes a canonical 5' splicing donor site. However, these predictions have yet to be confirmed by functional studies. The variant was absent in 251238 control chromosomes (gnomAD). The available data on variant occurrences in the general population are insufficient to allow any conclusion about variant significance. To our knowledge, no occurrence of c.1630+5G>T in individuals affected with Familial Hyperinsulinism and no experimental evidence demonstrating its impact on protein function have been reported. ClinVar contains an entry for this variant (Variation ID: 1028700). Based on the evidence outlined above, the variant was classified as uncertain significance.

Baylor Genetics
Classification: Uncertain significance for Hyperinsulinemic hypoglycemia, familial, 1. Last evaluated: 2020-09-22. Review status: criteria provided, single submitter. Criteria: ACMG Guidelines, 2015. Collection method: clinical testing. Allele origin: unknown. Affected: yes.
Comment: This variant was determined to be of uncertain significance according to ACMG Guidelines, 2015 [PMID:25741868].

NM_000352.6(ABCC8):c.1630+5G>T

Gene: ABCC8 (ATP binding cassette subfamily C member 8; minus strand). Cytogenetic location: 11p15.1.
Variant type: single nucleotide variant.
Coding change: c.1630+5G>T on transcript NM_000352.6 (MANE Select); 5 bases into the intron after coding-DNA position 1630, G replaced by T.
Molecular consequence: intron variant.
Genome position (GRCh38, 1-based): chr11:17,442,715, C>A on the plus strand (G>T on the coding strand, the complement: ABCC8 is on the minus strand). VCF-style: chr11-17442715-C-A. GRCh37 (hg19) VCF-style: chr11-17464262-C-A.
Other names: c.1627+5G>T (NM_001351297.2, NM_001351296.2); c.1630+5G>T (NM_001351295.2, NM_001287174.3).
Identifiers: ClinVar variation 1028700 (VCV001028700.2), dbSNP rs1956364777, ClinGen allele CA935532263.